The following is an entry in ClinVar:

NM_006796.3(AFG3L2):c.400-1G>A

Gene: AFG3L2 (AFG3 like matrix AAA peptidase subunit 2; minus strand). Cytogenetic location: 18p11.21.
Variant type: single nucleotide variant.
Coding change: c.400-1G>A on transcript NM_006796.3 (MANE Select); the canonical splice acceptor site of the intron before coding-DNA position 400, G replaced by A.
Molecular consequence: splice acceptor variant.
Genome position (GRCh38, 1-based): chr18:12,367,118, C>T on the plus strand (G>A on the coding strand, the complement: AFG3L2 is on the minus strand). VCF-style: chr18-12367118-C-T. GRCh37 (hg19) VCF-style: chr18-12367117-C-T.
Identifiers: ClinVar variation 3066351 (VCV003066351.1), dbSNP rs1220186331, ClinGen allele CA401954783.
Genomic context (GRCh38, chr18:12,367,118, plus strand): 5'-GAACAGAGCAGTCCAGAGGAAGAACATCCTGAAATCCTTGTCGTCCCATGGAATGTCACC[C>T]TGGGCAGAGAGGGAGACAGCTTCTGTGAAGAATGAAATTCCACAATACGATCTATGCTCT-3'

ClinVar aggregate classification (germline): Uncertain significance (1 of 4 stars; one submission).

Conditions:
Spinocerebellar ataxia type 28 (SCA28). Also called: Spinocerebellar Ataxia Type 28 (SCA28). Identifiers: Orphanet 101109, MedGen C1853249, MONDO:0012450, OMIM 610246.

Allele frequency attached by ClinVar (database versions not stated): TOPMed below 0.00001.

Submission:

MVZ Medizinische Genetik Mainz
Classification: Uncertain significance for Spinocerebellar ataxia type 28. Last evaluated: 2023-11-08. Review status: criteria provided, single submitter. Criteria: UK Practice Guidelines For Variant Classification V4 01 2020. Collection method: clinical testing. Allele origin: germline. Inheritance: Autosomal dominant inheritance. Affected: yes. Observed: 1 variant allele.
Comment: ACMG Criteria: PVS1_MOD,PM2_SUP